The following is an entry in ClinVar:

ClinVar aggregate classification (germline): Likely benign (1 of 4 stars; one submission).

Submission:

CeGaT Center for Human Genetics Tuebingen
Classification: Likely benign. Last evaluated: 2026-05-01. Review status: criteria provided, single submitter. Criteria: CeGaT Center For Human Genetics Tuebingen Variant Classification Criteria Version 2. Collection method: clinical testing. Allele origin: germline. Affected: yes. Observed: 1 variant allele.
Comment: FBLN5: PM2:Supporting, BP4, BP7

NM_006329.4(FBLN5):c.125-1196C>T

Gene: FBLN5 (fibulin 5; minus strand). Cytogenetic location: 14q32.12.
Variant type: single nucleotide variant.
Coding change: c.125-1196C>T on transcript NM_006329.4 (MANE Select); 1196 bases into the intron before coding-DNA position 125, C replaced by T.
Molecular consequence: intron variant. On other transcripts: synonymous variant (1).
Genome position (GRCh38, 1-based): chr14:91,938,397, G>A on the plus strand (C>T on the coding strand, the complement: FBLN5 is on the minus strand). VCF-style: chr14-91938397-G-A. GRCh37 (hg19) VCF-style: chr14-92404741-G-A.
Other names: c.180C>T, p.His60= (NM_001384158.1); c.125-1196C>T (NM_001384160.1); c.-44-1196C>T (NM_001384162.1, NM_001384161.1); c.176-1196C>T (NM_001384159.1).
Identifiers: ClinVar variation 4873907 (VCV004873907.2).